The following is an entry in ClinVar:

ClinVar aggregate classification (germline): Uncertain significance. Review status: criteria provided, multiple submitters, no conflicts (2 of 4 stars). 3 submissions from 3 submitters: Uncertain significance (3). Last evaluated 2025-08-31.

Conditions:
Early-infantile DEE. Also called: Early infantile epileptic encephalopathy; Early infantile epileptic encephalopathy with suppression bursts; Ohtahara syndrome. Identifiers: Orphanet 1934, MedGen C0393706, MONDO:0800491.
Severe myoclonic epilepsy in infancy (DRVT). Also called: Epileptic encephalopathy, early infantile, 6 (Dravet syndrome); SEVERE MYOCLONIC EPILEPSY OF INFANCY; DEVELOPMENTAL AND EPILEPTIC ENCEPHALOPATHY 6A; Severe Myoclonic Epilepsy in Infancy (SMEI); Dravet syndrome. Identifiers: Orphanet 33069, MedGen C0751122, MONDO:0100135, OMIM 607208.
Inborn genetic diseases. Identifiers: MedGen C0950123, MeSH D030342.

Allele frequency attached by ClinVar (database versions not stated): gnomAD exomes below 0.00001 and 0.00002; ExAC 0.00001; gnomAD 0.00001 and 0.00002; TOPMed 0.00002.
gnomAD v4.1: 28 of 1,613,344 alleles (0.0017%); highest among the groups gnomAD compares: African/African-American, 0.0053%; no homozygotes.

Submissions (3):

Labcorp Genetics (formerly Invitae), Labcorp
Classification: Uncertain significance for Early-infantile DEE. Last evaluated: 2025-08-31. Review status: criteria provided, single submitter. Criteria: Invitae Variant Classification Sherloc (09022015). Collection method: clinical testing. Allele origin: germline.
Comment: This sequence change replaces isoleucine, which is neutral and non-polar, with threonine, which is neutral and polar, at codon 1993 of the SCN1A protein (p.Ile1993Thr). This variant is present in population databases (rs766656231, gnomAD 0.008%). This variant has not been reported in the literature in individuals affected with SCN1A-related conditions. ClinVar contains an entry for this variant (Variation ID: 661300). Invitae Evidence Modeling of protein sequence and biophysical properties (such as structural, functional, and spatial information, amino acid conservation, physicochemical variation, residue mobility, and thermodynamic stability) indicates that this missense variant is not expected to disrupt SCN1A protein function with a negative predictive value of 95%. In summary, the available evidence is currently insufficient to determine the role of this variant in disease. Therefore, it has been classified as a Variant of Uncertain Significance.

Ambry Genetics
Classification: Uncertain significance for Inborn genetic diseases. Last evaluated: 2025-03-06. Review status: criteria provided, single submitter. Criteria: Ambry Variant Classification Scheme 2023. Collection method: clinical testing. Allele origin: germline.

New York Genome Center
Classification: Uncertain significance for Severe myoclonic epilepsy in infancy. Last evaluated: 2019-07-25. Review status: criteria provided, single submitter. Criteria: NYGC Assertion Criteria 2020. Collection method: clinical testing. Allele origin: inherited. Observed: 1 heterozygote. Study: CSER-NYCKidSeq.
Comment: The p.Ile1993Thr variant identified in the SCN1A gene has not been reported in affected individuals in the literature. The variant has 0.0000071 allele frequency in the gnomAD database (2 out of 282,146 heterozygous alleles) indicatingit is an extremely rare allele in the populations represented in that database. The variant affects residue number 1993 located in the C-terminal region of 2009-amino-acid polypeptide and is predicted “tolerated” by SIFT and PolyPhen2. Based on the current evidence, the p.Ile1993Thr variant in the SCN1A gene is assessed as a variant of uncertain significance.

NM_001165963.4(SCN1A):c.5978T>C (p.Ile1993Thr)

Genes: SCN1A (sodium voltage-gated channel alpha subunit 1; minus strand), LOC102724058 (uncharacterized LOC102724058; plus strand). Cytogenetic location: 2q24.3.
Variant type: single nucleotide variant.
Coding change: c.5978T>C on transcript NM_001165963.4 (MANE Select); coding-DNA position 5978, T replaced by C.
Protein change: p.Ile1993Thr; replaces isoleucine 1993 with threonine.
Molecular consequence: missense variant. On other transcripts: non-coding transcript variant (1).
Genome position (GRCh38, 1-based): chr2:165,991,297, A>G on the plus strand (T>C on the coding strand, the complement: SCN1A is on the minus strand). VCF-style: chr2-165991297-A-G. GRCh37 (hg19) VCF-style: chr2-166847807-A-G.
Other names: c.5894T>C, p.Ile1965Thr (NM_001165964.3, NM_001353957.2, NM_001353958.2); c.5978T>C, p.Ile1993Thr (NM_001202435.3, NM_001353948.2); c.5945T>C, p.Ile1982Thr (NM_001353949.2, NM_001353950.2, NM_001353951.2 and 2 more transcripts); c.5942T>C, p.Ile1981Thr (NM_001353954.2, NM_001353955.2); c.5891T>C, p.Ile1964Thr (NM_001353960.2); c.3536T>C, p.Ile1179Thr (NM_001353961.2); short protein forms I1982T, I1179T, I1964T, I1993T, I1965T, I1981T.
Identifiers: ClinVar variation 661300 (VCV000661300.11), dbSNP rs766656231, ClinGen allele CA1942619.
Genomic context (GRCh38, chr2:165,991,297, plus strand): 5'-ATTTTCATTTATTTCCCTTTGGCTTTTTCATCTTTGCCTTCTTGCTCATGTTTTTCCACA[A>G]TTGGCTTTGTCACCCGGTCATAGGAAGGTGGACAAGCTGCAGTGGACATGGTCAGATCAG-3'
Protein context (NP_001159435.1, residues 1983-2003): PPSYDRVTKP[Ile1993Thr]VEKHEQEGKD